The following is an entry in ClinVar:

NM_052947.4(ALPK2):c.5817G>A (p.Met1939Ile)

Gene: ALPK2 (alpha kinase 2; minus strand). Cytogenetic location: 18q21.31.
Variant type: single nucleotide variant.
Coding change: c.5817G>A on transcript NM_052947.4 (MANE Select); coding-DNA position 5817, G replaced by A.
Protein change: p.Met1939Ile; replaces methionine 1939 with isoleucine.
Molecular consequence: missense variant.
Genome position (GRCh38, 1-based): chr18:58,517,031, C>T on the plus strand (G>A on the coding strand, the complement: ALPK2 is on the minus strand). VCF-style: chr18-58517031-C-T. GRCh37 (hg19) VCF-style: chr18-56184263-C-T.
Other names: short protein forms M1939I.
Identifiers: ClinVar variation 1749869 (VCV001749869.2), dbSNP rs2518862815, ClinGen allele CA402548687.

ClinVar aggregate classification (germline): Uncertain significance (1 of 4 stars; one submission).

Allele frequency attached by ClinVar (database versions not stated): gnomAD exomes below 0.00001.

Submission:

Ambry Genetics
Classification: Uncertain significance. Last evaluated: 2021-10-02. Review status: criteria provided, single submitter. Criteria: Ambry Variant Classification Scheme 2023. Collection method: clinical testing. Allele origin: germline.
Comment: The p.M1939I variant (also known as c.5817G>A), located in coding exon 8 of the ALPK2 gene, results from a G to A substitution at nucleotide position 5817. The methionine at codon 1939 is replaced by isoleucine, an amino acid with highly similar properties. This amino acid position is conserved. In addition, this alteration is predicted to be tolerated by in silico analysis. Since supporting evidence is limited at this time, the clinical significance of this alteration remains unclear.